The following is an entry in ClinVar:

NM_002579.3(PALM):c.431G>T (p.Gly144Val)

Gene: PALM (paralemmin; plus strand). Cytogenetic location: 19p13.3.
Variant type: single nucleotide variant.
Coding change: c.431G>T on transcript NM_002579.3 (MANE Select); coding-DNA position 431, G replaced by T.
Protein change: p.Gly144Val; replaces glycine 144 with valine.
Molecular consequence: missense variant.
Genome position (GRCh38, 1-based): chr19:734,183, G>T. VCF-style: chr19-734183-G-T. GRCh37 (hg19) VCF-style: chr19-734183-G-T.
Other names: c.431G>T, p.Gly144Val (NM_001040134.2); short protein forms G144V.
Identifiers: ClinVar variation 2743348 (VCV002743348.3), dbSNP rs2511977659, ClinGen allele CA402882390.
Genomic context (GRCh38, chr19:734,183, plus strand): 5'-TCTTCCCGGGGATGCTGACGCCCCTGACCCTTCTCTCTTCTTTCTTGCAGACGCCGGTGG[G>T]CACGCCCAAAGGTAGGACCTCTGGAAGGAACTCGTGGGGCCTCGGCGCACTCTGGTGGCC-3'
Protein context (NP_002570.2, residues 134-154): VVMNSQQTPV[Gly144Val]TPKDKRVSNT

ClinVar aggregate classification (germline): Uncertain significance (1 of 4 stars; one submission).

gnomAD v4.1: 3 of 1,613,798 alleles (0.00019%); highest among the groups gnomAD compares: Non-Finnish European, 0.00025%; no homozygotes.

Submission:

Labcorp Genetics (formerly Invitae), Labcorp
Classification: Uncertain significance. Last evaluated: 2024-10-24. Review status: criteria provided, single submitter. Criteria: Invitae Variant Classification Sherloc (09022015). Collection method: clinical testing. Allele origin: germline.
Comment: This sequence change replaces glycine, which is neutral and non-polar, with valine, which is neutral and non-polar, at codon 144 of the PALM protein (p.Gly144Val). This variant is not present in population databases (gnomAD no frequency). This variant has not been reported in the literature in individuals affected with PALM-related conditions. An algorithm developed to predict the effect of missense changes on protein structure and function (PolyPhen-2) suggests that this variant is likely to be tolerated. In summary, the available evidence is currently insufficient to determine the role of this variant in disease. Therefore, it has been classified as a Variant of Uncertain Significance.